The following is an entry in ClinVar:

NM_001252024.2(TRPM1):c.3148+1G>A

Genes: TRPM1 (transient receptor potential cation channel subfamily M member 1; minus strand), TRPM1-AS1 (TRPM1 antisense RNA 1; plus strand). Cytogenetic location: 15q13.3.
Variant type: single nucleotide variant.
Coding change: c.3148+1G>A on transcript NM_001252024.2 (MANE Select); the canonical splice donor site of the intron after coding-DNA position 3148, G replaced by A.
Molecular consequence: splice donor variant.
Genome position (GRCh38, 1-based): chr15:31,029,370, C>T on the plus strand (G>A on the coding strand, the complement: TRPM1 is on the minus strand). VCF-style: chr15-31029370-C-T. GRCh37 (hg19) VCF-style: chr15-31321573-C-T.
Other names: c.3199+1G>A (NM_001252020.2, NM_001252020.1); c.3082+1G>A (NM_002420.6).
Identifiers: ClinVar variation 631727 (VCV000631727.13), dbSNP rs779821510, ClinGen allele CA7451970.

ClinVar aggregate classification (germline): Pathogenic/Likely pathogenic. Review status: criteria provided, multiple submitters, no conflicts (2 of 4 stars). 4 submissions from 4 submitters: Pathogenic (1); Likely pathogenic (3). Last evaluated 2025-05-03.

Conditions:
TRPM1-related disorder. Also called: TRPM1-related condition.
Congenital stationary night blindness 1C. Also called: Night blindness, congenital stationary (complete), 1C, autosomal recessive. Identifiers: Orphanet 215, MedGen C2750747, MONDO:0013183, OMIM 613216.

Allele frequency attached by ClinVar (database versions not stated): gnomAD 0.00001; TOPMed 0.00001; ExAC 0.00002; gnomAD exomes 0.00002.
gnomAD v4.1: 28 of 1,613,478 alleles (0.0017%); highest among the groups gnomAD compares: Non-Finnish European, 0.0022%; no homozygotes.

Submissions (4):

Labcorp Genetics (formerly Invitae), Labcorp
Classification: Likely pathogenic. Last evaluated: 2025-05-03. Review status: criteria provided, single submitter. Criteria: Invitae Variant Classification Sherloc (09022015). Collection method: clinical testing. Allele origin: germline.
Comment: This sequence change affects a donor splice site in intron 23 of the TRPM1 gene. It is expected to disrupt RNA splicing. Variants that disrupt the donor or acceptor splice site typically lead to a loss of protein function (PMID: 16199547), and loss-of-function variants in TRPM1 are known to be pathogenic (PMID: 19896113, 19966281, 20300565). This variant is present in population databases (rs779821510, gnomAD 0.005%). This variant has not been reported in the literature in individuals affected with TRPM1-related conditions. ClinVar contains an entry for this variant (Variation ID: 631727). Algorithms developed to predict the effect of sequence changes on RNA splicing suggest that this variant may disrupt the consensus splice site. In summary, the currently available evidence indicates that the variant is pathogenic, but additional data are needed to prove that conclusively. Therefore, this variant has been classified as Likely Pathogenic.

SN ONGC Dept of Genetics and Molecular biology Vision Research Foundation
Classification: Pathogenic for Congenital stationary night blindness 1C. Last evaluated: 2024-10-21. Review status: criteria provided, single submitter. Criteria: ACMG Guidelines, 2015. Collection method: research. Allele origin: biparental. Inheritance: Autosomal recessive inheritance. Affected: yes. Observed: 1 homozygote.
Comment: The c.3199+1G>A variant in TRPM1 has been identified in an Indian study in an homozygous state exhibiting an autosomal recessive inheritance pattern. The variant was found to segregate with the disease in both parents. Notably, it was absent in 100 screened control individuals.

Blueprint Genetics
Classification: Likely pathogenic for TRPM1-related disorders. Last evaluated: 2023-12-22. Review status: criteria provided, single submitter. Criteria: ACMG Guidelines, 2015. Collection method: clinical testing. Allele origin: germline. Affected: yes. Observed: 5 variant alleles.

PreventionGenetics, part of Exact Sciences
Classification: Likely pathogenic for TRPM1-related condition. Last evaluated: 2022-09-01. Review status: criteria provided, single submitter. Criteria: ACMG Guidelines, 2015. Collection method: clinical testing. Allele origin: germline.
Comment: The TRPM1 c.3199+1G>A variant is predicted to disrupt the GT donor site and interfere with normal splicing. On an alternative transcript (NM_001252024), this variant is referred to as c.3148+1G>A. To our knowledge, this variant has not been reported in the literature. This variant is reported in 0.0051% of alleles in individuals of East Asian descent in gnomAD. Variants that disrupt the consensus splice donor site in TRPM1 are expected to be pathogenic. This variant is interpreted as likely pathogenic.

Literature cited by the submitters: PubMed 16199547 (cited by Labcorp Genetics (formerly Invitae), Labcorp); PubMed 19896113 (cited by Labcorp Genetics (formerly Invitae), Labcorp); PubMed 19966281 (cited by Labcorp Genetics (formerly Invitae), Labcorp); PubMed 20300565 (cited by Labcorp Genetics (formerly Invitae), Labcorp).